The following is an entry in ClinVar:

NM_199355.4(ADAMTS18):c.767G>A (p.Arg256Gln)

Gene: ADAMTS18 (ADAM metallopeptidase with thrombospondin type 1 motif 18; minus strand). Cytogenetic location: 16q23.1.
Variant type: single nucleotide variant.
Coding change: c.767G>A on transcript NM_199355.4 (MANE Select); coding-DNA position 767, G replaced by A.
Protein change: p.Arg256Gln; replaces arginine 256 with glutamine.
Molecular consequence: missense variant.
Genome position (GRCh38, 1-based): chr16:77,367,452, C>T on the plus strand (G>A on the coding strand, the complement: ADAMTS18 is on the minus strand). VCF-style: chr16-77367452-C-T. GRCh37 (hg19) VCF-style: chr16-77401349-C-T.
Other names: c.247G>A, p.Asp83Asn (NM_001326358.2); short protein forms D83N, R256Q.
Identifiers: ClinVar variation 1024512 (VCV001024512.7), dbSNP rs775057284, ClinGen allele CA8181569.

ClinVar aggregate classification (germline): Uncertain significance. Review status: criteria provided, multiple submitters, no conflicts (2 of 4 stars). 2 submissions from 2 submitters: Uncertain significance (2). Last evaluated 2023-08-10.

Allele frequency attached by ClinVar (database versions not stated): ExAC 0.00001; gnomAD exomes 0.00001 and 0.00002; TOPMed 0.00001; gnomAD 0.00004 and 0.00006.
gnomAD v4.1: 24 of 1,614,074 alleles (0.0015%); highest among the groups gnomAD compares: Admixed American, 0.013%; no homozygotes.

Submissions (2):

Labcorp Genetics (formerly Invitae), Labcorp
Classification: Uncertain significance. Last evaluated: 2023-08-10. Review status: criteria provided, single submitter. Criteria: Invitae Variant Classification Sherloc (09022015). Collection method: clinical testing. Allele origin: germline.
Comment: In summary, the available evidence is currently insufficient to determine the role of this variant in disease. Therefore, it has been classified as a Variant of Uncertain Significance. Algorithms developed to predict the effect of missense changes on protein structure and function output the following: SIFT: "Not Available"; PolyPhen-2: "Benign"; Align-GVGD: "Not Available". The glutamine amino acid residue is found in multiple mammalian species, which suggests that this missense change does not adversely affect protein function. ClinVar contains an entry for this variant (Variation ID: 1024512). This variant has not been reported in the literature in individuals affected with ADAMTS18-related conditions. This variant is present in population databases (rs775057284, gnomAD 0.01%). This sequence change replaces arginine, which is basic and polar, with glutamine, which is neutral and polar, at codon 256 of the ADAMTS18 protein (p.Arg256Gln).

Blueprint Genetics
Classification: Uncertain significance. Last evaluated: 2021-08-26. Review status: criteria provided, single submitter. Criteria: ACMG Guidelines, 2015. Collection method: clinical testing. Allele origin: germline.